The following is an entry in ClinVar:

ClinVar aggregate classification (germline): Uncertain significance (1 of 4 stars; one submission).

Submission:

GeneDx
Classification: Uncertain significance. Last evaluated: 2020-07-08. Review status: criteria provided, single submitter. Criteria: GeneDx Variant Classification Process June 2021. Collection method: clinical testing. Allele origin: germline. Affected: yes.
Comment: Not observed in large population cohorts (Lek et al., 2016); In-silico analysis, which includes splice predictors and evolutionary conservation, is inconclusive as to whether the variant alters gene splicing. In the absence of RNA/functional studies, the actual effect of this sequence change is unknown.; Has not been previously published as pathogenic or benign to our knowledge; Variants in candidate genes are classified as variants of uncertain significance in accordance with ACMG guidelines (Richards et al., 2015)

NM_020719.3(PRR12):c.5964+5G>C

Gene: PRR12 (proline rich 12; plus strand). Cytogenetic location: 19q13.33.
Variant type: single nucleotide variant.
Coding change: c.5964+5G>C on transcript NM_020719.3 (MANE Select); 5 bases into the intron after coding-DNA position 5964, G replaced by C.
Molecular consequence: intron variant.
Genome position (GRCh38, 1-based): chr19:49,625,205, G>C. VCF-style: chr19-49625205-G-C. GRCh37 (hg19) VCF-style: chr19-50128462-G-C.
Identifiers: ClinVar variation 1312961 (VCV001312961.2), dbSNP rs2122390333, ClinGen allele CA2573054811.